The following is an entry in ClinVar:

ClinVar aggregate classification (germline): Uncertain significance (1 of 4 stars; one submission).

Submission:

Labcorp Genetics (formerly Invitae), Labcorp
Classification: Uncertain significance. Last evaluated: 2025-05-24. Review status: criteria provided, single submitter. Criteria: Invitae Variant Classification Sherloc (09022015). Collection method: clinical testing. Allele origin: germline.
Comment: This sequence change replaces arginine, which is basic and polar, with histidine, which is basic and polar, at codon 408 of the ZSWIM6 protein (p.Arg408His). This variant is not present in population databases (gnomAD no frequency). This variant has not been reported in the literature in individuals affected with ZSWIM6-related conditions. Invitae Evidence Modeling of protein sequence and biophysical properties (such as structural, functional, and spatial information, amino acid conservation, physicochemical variation, residue mobility, and thermodynamic stability) indicates that this missense variant is not expected to disrupt ZSWIM6 protein function with a negative predictive value of 80%. In summary, the available evidence is currently insufficient to determine the role of this variant in disease. Therefore, it has been classified as a Variant of Uncertain Significance.

NM_020928.2(ZSWIM6):c.1223G>A (p.Arg408His)

Gene: ZSWIM6 (zinc finger SWIM-type containing 6; plus strand). Cytogenetic location: 5q12.1.
Variant type: single nucleotide variant.
Coding change: c.1223G>A on transcript NM_020928.2 (MANE Select); coding-DNA position 1223, G replaced by A.
Protein change: p.Arg408His; replaces arginine 408 with histidine.
Molecular consequence: missense variant.
Genome position (GRCh38, 1-based): chr5:61,494,300, G>A. VCF-style: chr5-61494300-G-A. GRCh37 (hg19) VCF-style: chr5-60790127-G-A.
Other names: short protein forms R408H.
Identifiers: ClinVar variation 4744155 (VCV004744155.1).